The following is an entry in ClinVar:

ClinVar aggregate classification (germline): Benign/Likely benign. Review status: criteria provided, multiple submitters, no conflicts (2 of 4 stars). 6 submissions from 6 submitters: Benign (2); Likely benign (4). Last evaluated 2025-07-08.

Conditions:
Hereditary cancer-predisposing syndrome. Also called: Hereditary neoplastic syndrome; Tumor predisposition; Neoplastic Syndromes, Hereditary; Hereditary Cancer Syndrome. Identifiers: Orphanet 140162, MedGen C0027672, MeSH D009386, MONDO:0015356.
Tuberous sclerosis syndrome (TSC). Also called: Tuberous sclerosis; Tuberous Sclerosis Complex. Identifiers: Orphanet 805, MedGen C0041341, MONDO:0001734.
Tuberous sclerosis 2 (TSC2). Identifiers: Orphanet 805, MedGen C1860707, MONDO:0013199, OMIM 613254.

Allele frequency attached by ClinVar (database versions not stated): TOPMed 0.00001; gnomAD exomes 0.00002.
gnomAD v4.1: 12 of 1,612,468 alleles (0.00074%); highest among the groups gnomAD compares: African/African-American, 0.0013%; no homozygotes.

Submissions (6):

Labcorp Genetics (formerly Invitae), Labcorp
Classification: Likely benign for Tuberous sclerosis 2. Last evaluated: 2025-07-08. Review status: criteria provided, single submitter. Criteria: Invitae Variant Classification Sherloc (09022015). Collection method: clinical testing. Allele origin: germline.

Myriad Genetics, Inc.
Classification: Benign for Tuberous sclerosis 2. Last evaluated: 2025-06-03. Review status: criteria provided, single submitter. Criteria: Myriad Autosomal Dominant, Autosomal Recessive and X-Linked Classification Criteria (2023). Collection method: clinical testing. Allele origin: unknown.
Comment: This variant is considered benign. This variant is a silent/synonymous amino acid change and it is not expected to impact splicing.

Color Diagnostics, LLC DBA Color Health
Classification: Likely benign for Tuberous sclerosis syndrome. Last evaluated: 2024-03-19. Review status: criteria provided, single submitter. Criteria: ACMG Guidelines, 2015. Collection method: clinical testing. Allele origin: germline.

Genome-Nilou Lab
Classification: Benign for Tuberous sclerosis 2. Last evaluated: 2021-11-07. Review status: criteria provided, single submitter. Criteria: ACMG Guidelines, 2015. Collection method: clinical testing. Allele origin: germline. Affected: no.

Ambry Genetics
Classification: Likely benign for Hereditary cancer-predisposing syndrome. Last evaluated: 2019-09-13. Review status: criteria provided, single submitter. Criteria: Ambry Variant Classification Scheme 2023. Collection method: clinical testing. Allele origin: germline.

GeneDx
Classification: Likely benign. Last evaluated: 2016-01-29. Review status: criteria provided, single submitter. Criteria: GeneDx Variant Classification (06012015). Collection method: clinical testing. Allele origin: germline. Affected: yes.
Comment: This variant is considered likely benign or benign based on one or more of the following criteria: it is a conservative change, it occurs at a poorly conserved position in the protein, it is predicted to be benign by multiple in silico algorithms, and/or has population frequency not consistent with disease.

NM_000548.5(TSC2):c.4155C>G (p.Ser1385=)

Gene: TSC2 (TSC complex subunit 2; plus strand). Cytogenetic location: 16p13.3.
Variant type: single nucleotide variant.
Coding change: c.4155C>G on transcript NM_000548.5 (MANE Select); coding-DNA position 4155, C replaced by G.
Protein change: p.Ser1385=; no amino-acid change (serine 1385 retained).
Molecular consequence: synonymous variant.
Genome position (GRCh38, 1-based): chr16:2,084,377, C>G. VCF-style: chr16-2084377-C-G. GRCh37 (hg19) VCF-style: chr16-2134378-C-G.
Other names: c.4023C>G, p.Ser1341= (NM_001370404.1); c.4026C>G, p.Ser1342= (NM_001370405.1, NM_021055.3); c.3954C>G, p.Ser1318= (NM_001077183.3); c.4086C>G, p.Ser1362= (NM_001114382.3); c.3846C>G, p.Ser1282= (NM_001318827.2); c.3810C>G, p.Ser1270= (NM_001318829.2); c.3423C>G, p.Ser1141= (NM_001318831.2); c.3987C>G, p.Ser1329= (NM_001318832.2); and 1 more.
Identifiers: ClinVar variation 383173 (VCV000383173.19), dbSNP rs1057521540, ClinGen allele CA16607163.